The following is an entry in ClinVar:

ClinVar aggregate classification (germline): Likely benign. Review status: criteria provided, multiple submitters, no conflicts (2 of 4 stars). 2 submissions from 2 submitters: Likely benign (2). Last evaluated 2025-09-04.

Allele frequency attached by ClinVar (database versions not stated): gnomAD 0.00001; gnomAD exomes 0.00002.
gnomAD v4.1: 10 of 1,606,946 alleles (0.00062%); highest among the groups gnomAD compares: Middle Eastern, 0.017%; no homozygotes.

Submissions (2):

Labcorp Genetics (formerly Invitae), Labcorp
Classification: Likely benign. Last evaluated: 2025-09-04. Review status: criteria provided, single submitter. Criteria: Invitae Variant Classification Sherloc (09022015). Collection method: clinical testing. Allele origin: germline.

CeGaT Center for Human Genetics Tuebingen
Classification: Likely benign. Last evaluated: 2022-05-01. Review status: criteria provided, single submitter. Criteria: CeGaT Center For Human Genetics Tuebingen Variant Classification Criteria Version 2. Collection method: clinical testing. Allele origin: germline. Affected: yes. Observed: 1 variant allele.
Comment: LRPPRC: BP4, BP7

NM_133259.4(LRPPRC):c.2028A>G (p.Gln676=)

Gene: LRPPRC (leucine rich pentatricopeptide repeat containing; minus strand). Cytogenetic location: 2p21.
Variant type: single nucleotide variant.
Coding change: c.2028A>G on transcript NM_133259.4 (MANE Select); coding-DNA position 2028, A replaced by G.
Protein change: p.Gln676=; no amino-acid change (glutamine 676 retained).
Molecular consequence: synonymous variant.
Genome position (GRCh38, 1-based): chr2:43,947,308, T>C on the plus strand (A>G on the coding strand, the complement: LRPPRC is on the minus strand). VCF-style: chr2-43947308-T-C. GRCh37 (hg19) VCF-style: chr2-44174447-T-C.
Identifiers: ClinVar variation 1103109 (VCV001103109.39), dbSNP rs1309745023, ClinGen allele CA425910169.
Genomic context (GRCh38, chr2:43,947,308, plus strand): 5'-AAATGTTACCTCTTCTGAACAAAGCACTAATATGAGTTGCTTTAGGACATCTCTTATAGG[T>C]TGATTTTCAGCTTTTAGTGTTTCAAGTGTGGACTCCAATTCAGATGATGTAAGTTGCACA-3'
Protein context (NP_573566.2, residues 666-686): STLETLKAEN[Gln676=]PIRDVLKQLI